The following is an entry in ClinVar:

NM_000257.4(MYH7):c.2809A>C (p.Thr937Pro)

Gene: MYH7 (myosin heavy chain 7; minus strand). Cytogenetic location: 14q11.2.
Variant type: single nucleotide variant.
Coding change: c.2809A>C on transcript NM_000257.4 (MANE Select); coding-DNA position 2809, A replaced by C.
Protein change: p.Thr937Pro; replaces threonine 937 with proline.
Molecular consequence: missense variant.
Genome position (GRCh38, 1-based): chr14:23,424,020, T>G on the plus strand (A>C on the coding strand, the complement: MYH7 is on the minus strand). VCF-style: chr14-23424020-T-G. GRCh37 (hg19) VCF-style: chr14-23893229-T-G.
Other names: c.2809A>C, p.Thr937Pro (NM_001407004.1); short protein forms T937P.
Identifiers: ClinVar variation 4801937 (VCV004801937.2).

ClinVar aggregate classification (germline): Uncertain significance. Review status: criteria provided, multiple submitters, no conflicts (2 of 4 stars). 2 submissions from 2 submitters: Uncertain significance (2). Last evaluated 2026-03-14.

Conditions:
Hypertrophic cardiomyopathy. Also called: HYPERTROPHIC MYOCARDIOPATHY. Identifiers: Orphanet 217569, MedGen C0007194, MeSH D002312, MONDO:0005045, HP:0001639.

Submissions (2):

GeneDx
Classification: Uncertain significance. Last evaluated: 2026-03-14. Review status: criteria provided, single submitter. Criteria: GeneDx Variant Classification Process June 2021. Collection method: clinical testing. Allele origin: germline.
Comment: Reported in a patient with noncompaction cardiomyopathy (Komissarova et al., 2023, DOI 10.29001/2073-8552-2023-38-2-156-165); Not observed at significant frequency in large population cohorts (gnomAD); In silico analysis supports that this missense variant has a deleterious effect on protein structure/function; This variant is associated with the following publications: (PMID: Komissarova2023[Article], 27532257, 29300372)

Labcorp Genetics (formerly Invitae), Labcorp
Classification: Uncertain significance for Hypertrophic cardiomyopathy. Last evaluated: 2026-01-31. Review status: criteria provided, single submitter. Criteria: Invitae Variant Classification Sherloc (09022015). Collection method: clinical testing. Allele origin: germline.
Comment: This sequence change replaces threonine, which is neutral and polar, with proline, which is neutral and non-polar, at codon 937 of the MYH7 protein (p.Thr937Pro). This variant is not present in population databases (gnomAD no frequency). This variant has not been reported in the literature in individuals affected with MYH7-related conditions. Invitae Evidence Modeling of protein sequence and biophysical properties (such as structural, functional, and spatial information, amino acid conservation, physicochemical variation, residue mobility, and thermodynamic stability) indicates that this missense variant is expected to disrupt MYH7 protein function with a positive predictive value of 95%. In summary, the available evidence is currently insufficient to determine the role of this variant in disease. Therefore, it has been classified as a Variant of Uncertain Significance.